The following is an entry in ClinVar:

ClinVar aggregate classification (germline): Uncertain significance (1 of 4 stars; one submission).

Conditions:
Lipoic acid synthetase deficiency. Also called: HYPERGLYCINEMIA, LACTIC ACIDOSIS, AND SEIZURES. Identifiers: Orphanet 401859, MedGen C3280887, MONDO:0013762, OMIM 614462.

Allele frequency attached by ClinVar (database versions not stated): 1000 Genomes Project 30x 0.00016; 1000 Genomes Project 0.00020.
gnomAD v4.1: 5 of 1,612,876 alleles (0.00031%); highest among the groups gnomAD compares: African/African-American, 0.004%; no homozygotes.

Submission:

Labcorp Genetics (formerly Invitae), Labcorp
Classification: Uncertain significance for Lipoic acid synthetase deficiency. Last evaluated: 2021-09-24. Review status: criteria provided, single submitter. Criteria: Invitae Variant Classification Sherloc (09022015). Collection method: clinical testing. Allele origin: germline.
Comment: This sequence change replaces arginine with proline at codon 15 of the LIAS protein (p.Arg15Pro). The arginine residue is weakly conserved and there is a moderate physicochemical difference between arginine and proline. This variant is present in population databases (rs184218786, ExAC 0.01%). This variant has not been reported in the literature in individuals with LIAS-related conditions. Algorithms developed to predict the effect of missense changes on protein structure and function output the following: SIFT: "Tolerated"; PolyPhen-2: "Benign"; Align-GVGD: "Class C0". The proline amino acid residue is found in multiple mammalian species, suggesting that this missense change does not adversely affect protein function. These predictions have not been confirmed by published functional studies and their clinical significance is uncertain. In summary, the available evidence is currently insufficient to determine the role of this variant in disease. Therefore, it has been classified as a Variant of Uncertain Significance.

NM_006859.4(LIAS):c.44G>C (p.Arg15Pro)

Genes: LIAS (lipoic acid synthetase; plus strand), LOC112939935 (Sharpr-MPRA regulatory region 11886; plus strand). Cytogenetic location: 4p14.
Variant type: single nucleotide variant.
Coding change: c.44G>C on transcript NM_006859.4 (MANE Select); coding-DNA position 44, G replaced by C.
Protein change: p.Arg15Pro; replaces arginine 15 with proline.
Molecular consequence: missense variant.
Genome position (GRCh38, 1-based): chr4:39,459,161, G>C. VCF-style: chr4-39459161-G-C. GRCh37 (hg19) VCF-style: chr4-39460781-G-C.
Other names: c.44G>C, p.Arg15Pro (NM_001278590.2, NM_001278591.2, NM_001278592.2 and 2 more transcripts); short protein forms R15P.
Identifiers: ClinVar variation 1431407 (VCV001431407.5), dbSNP rs184218786, ClinGen allele CA2894544.